The following is an entry in ClinVar:

NM_004006.3(DMD):c.3419A>T (p.His1140Leu)

Gene: DMD (dystrophin; minus strand). Cytogenetic location: Xp21.1.
Variant type: single nucleotide variant.
Coding change: c.3419A>T on transcript NM_004006.3 (MANE Select); coding-DNA position 3419, A replaced by T.
Protein change: p.His1140Leu; replaces histidine 1140 with leucine.
Molecular consequence: missense variant.
Genome position (GRCh38, 1-based): chrX:32,463,452, T>A on the plus strand (A>T on the coding strand, the complement: DMD is on the minus strand). VCF-style: chrX-32463452-T-A. GRCh37 (hg19) VCF-style: chrX-32481569-T-A.
Other names: c.3395A>T, p.His1132Leu (NM_000109.4); c.3407A>T, p.His1136Leu (NM_004009.3); c.3050A>T, p.His1017Leu (NM_004010.3); short protein forms H1017L, H1132L, H1136L, H1140L.
Identifiers: ClinVar variation 684863 (VCV000684863.17), dbSNP rs201297190, ClinGen allele CA10379290.

ClinVar aggregate classification (germline): Likely benign. Review status: criteria provided, multiple submitters, no conflicts (2 of 4 stars). 4 submissions from 4 submitters: Likely benign (3). 1 of the submissions does not count toward it. Last evaluated 2025-11-28.

Conditions:
Cardiovascular phenotype. Identifiers: MedGen CN230736.
Duchenne muscular dystrophy (DMD). Also called: MUSCULAR DYSTROPHY, PSEUDOHYPERTROPHIC PROGRESSIVE, DUCHENNE TYPE; Duchenne Muscular Dystrophy (DMD). Identifiers: Orphanet 98896, MedGen C0013264, MONDO:0010679, OMIM 310200.
Dystrophin deficiency.
Becker muscular dystrophy (BMD). Also called: MUSCULAR DYSTROPHY, PSEUDOHYPERTROPHIC PROGRESSIVE, BECKER TYPE; Becker Muscular Dystrophy (BMD). Identifiers: Orphanet 98895, MedGen C0917713, MONDO:0010311, OMIM 300376.
Cardiomyopathy (CMYO). Also called: Cardiomyopathies. Identifiers: Orphanet 167848, MedGen C0878544, MONDO:0004994, HP:0001638. Inheritance: Various modes of inheritance.

Allele frequency attached by ClinVar (database versions not stated): gnomAD 0.00005; TOPMed 0.00006.
gnomAD v4.1: 6 of 1,206,031 alleles (0.0005%); highest among the groups gnomAD compares: African/African-American, 0.007%; no homozygotes.

Submissions (4):

Labcorp Genetics (formerly Invitae), Labcorp
Classification: Likely benign for Duchenne muscular dystrophy. Last evaluated: 2025-11-28. Review status: criteria provided, single submitter. Criteria: Invitae Variant Classification Sherloc (09022015). Collection method: clinical testing. Allele origin: germline.

Molecular Diagnostic Laboratory for Inherited Cardiovascular Disease, Montreal Heart Institute
Classification: Likely benign. Last evaluated: 2025-04-08. Review status: criteria provided, single submitter. Criteria: ACMG Guidelines, 2015. Collection method: clinical testing. Allele origin: germline. Affected: no.
Comment: PM2, BP1, BP4, BP5, BP6

Ambry Genetics
Classification: Likely benign for Cardiovascular phenotype. Last evaluated: 2019-01-31. Review status: criteria provided, single submitter. Criteria: Ambry Variant Classification Scheme 2023. Collection method: clinical testing. Allele origin: germline.

Natera, Inc.
Classification: Likely benign for Becker muscular dystrophy; Cardiomyopathy; Duchenne muscular dystrophy; Dystrophin deficiency. Last evaluated: 2021-02-26. Review status: no assertion criteria provided. Collection method: clinical testing. Allele origin: germline. Not counted in ClinVar's aggregate classification.